The following is an entry in ClinVar:

NM_006236.3(POU3F3):c.428C>T (p.Pro143Leu)

Gene: POU3F3 (POU class 3 homeobox 3; plus strand). Cytogenetic location: 2q12.1.
Variant type: single nucleotide variant.
Coding change: c.428C>T on transcript NM_006236.3 (MANE Select); coding-DNA position 428, C replaced by T.
Protein change: p.Pro143Leu; replaces proline 143 with leucine.
Molecular consequence: missense variant.
Genome position (GRCh38, 1-based): chr2:104,855,938, C>T. VCF-style: chr2-104855938-C-T. GRCh37 (hg19) VCF-style: chr2-105472396-C-T.
Other names: c.428C>T, p.Pro143Leu (NM_001433704.1); short protein forms P143L.
Identifiers: ClinVar variation 4881840 (VCV004881840.2).

ClinVar aggregate classification (germline): Uncertain significance (1 of 4 stars; one submission).

Submission:

Dasa
Classification: Uncertain significance. Last evaluated: 2025-08-18. Review status: criteria provided, single submitter. Criteria: DASA Assertion Criteria. Collection method: clinical testing. Allele origin: germline.
Comment: NM_006236.3(POU3F3):c.428C>T (p.Pro143Leu) is a missense variant that results in the substitution of proline with leucine. This variant is rare in population databases. The currently available literature and clinical evidence are not sufficient to establish a definitive association between this variant and the reported condition. Therefore, this variant is classified as a variant of uncertain significance.